The following is an entry in ClinVar:

ClinVar aggregate classification (germline): Conflicting classifications of pathogenicity. Review status: criteria provided, conflicting classifications (1 of 4 stars). 17 submissions from 17 submitters: Uncertain significance (1); Benign (2); Likely benign (11). 3 of the submissions do not count toward it. Last evaluated 2026-09-01.

Conditions:
DSG2-related disorder. Also called: DSG2-related condition.
Cardiovascular phenotype. Identifiers: MedGen CN230736.
Cardiomyopathy (CMYO). Also called: Cardiomyopathies. Identifiers: Orphanet 167848, MedGen C0878544, MONDO:0004994, HP:0001638. Inheritance: Various modes of inheritance.
Arrhythmogenic right ventricular dysplasia 10. Also called: Arrhythmogenic right ventricular dysplasia/cardiomyopathy, type 10; Arrhythmogenic Right Ventricular Dysplasia/Cardiomyopathy10; ARRHYTHMOGENIC RIGHT VENTRICULAR DYSPLASIA, FAMILIAL, 10. Identifiers: MedGen C1857777, MONDO:0012434, OMIM 610193.
Primary dilated cardiomyopathy (DCM). Also called: Dilated Cardiomyopathy. Identifiers: Orphanet 217604, MedGen C0007193, MeSH D002311, MONDO:0005021, HP:0001644. Inheritance: Various modes of inheritance.

Allele frequency attached by ClinVar (database versions not stated): TOPMed 0.00041; 1000 Genomes Project 0.00060; ESP Exome Variant Server 0.00032; 1000 Genomes Project 30x 0.00047; gnomAD exomes 0.00033 and 0.00063; gnomAD 0.00038; ExAC 0.00055.

Submissions (17):

CeGaT Center for Human Genetics Tuebingen
Classification: Likely benign. Last evaluated: 2026-09-01. Review status: criteria provided, single submitter. Criteria: CeGaT Center For Human Genetics Tuebingen Variant Classification Criteria Version 2. Collection method: clinical testing. Allele origin: germline. Affected: yes. Observed: 32 variant alleles.
Comment: DSG2: BP4

Labcorp Genetics (formerly Invitae), Labcorp
Classification: Likely benign for Arrhythmogenic right ventricular dysplasia 10. Last evaluated: 2026-01-21. Review status: criteria provided, single submitter. Criteria: Invitae Variant Classification Sherloc (09022015). Collection method: clinical testing. Allele origin: germline.

Molecular Diagnostic Laboratory for Inherited Cardiovascular Disease, Montreal Heart Institute
Classification: Likely benign. Last evaluated: 2025-04-09. Review status: criteria provided, single submitter. Criteria: ACMG Guidelines, 2015. Collection method: clinical testing. Allele origin: germline. Affected: no.
Comment: BS1; BP6

ARUP Laboratories, Molecular Genetics and Genomics, ARUP Laboratories
Classification: Likely benign. Last evaluated: 2024-11-14. Review status: criteria provided, single submitter. Criteria: ARUP Molecular Germline Variant Investigation Process 2024. Collection method: clinical testing. Allele origin: germline.

Blueprint Genetics
Classification: Likely benign. Last evaluated: 2024-09-16. Review status: criteria provided, single submitter. Criteria: ACMG Guidelines, 2015. Collection method: clinical testing. Allele origin: germline.

Women's Health and Genetics/Laboratory Corporation of America, LabCorp
Classification: Likely benign. Last evaluated: 2023-12-04. Review status: criteria provided, single submitter. Criteria: LabCorp Variant Classification Summary - May 2015. Collection method: clinical testing. Allele origin: germline.
Comment: Variant summary: DSG2 c.1781T>C (p.Leu594Pro) results in a non-conservative amino acid change in the encoded protein sequence. Three of five in-silico tools predict a damaging effect of the variant on protein function. The variant allele was found at a frequency of 0.00063 in 249162 control chromosomes in the gnomAD database, including 1 homozygote. The observed variant frequency is approximately 2.52 fold of the estimated maximal expected allele frequency for a pathogenic variant in DSG2 causing Arrhythmogenic Right Ventricular Dysplasia/Cardiomyopathy phenotype (0.00025), suggesting that the variant is benign. c.1781T>C has been reported in the literature in a heterozygous individual affected with Brugada syndrome (e.g. DiResta_2015) and in a case of sudden infant death syndrome reported as a VUS (e.g. Neubauer_2017). These report(s) do not provide unequivocal conclusions about association of the variant with Arrhythmogenic Right Ventricular Dysplasia/Cardiomyopathy. To our knowledge, no experimental evidence demonstrating an impact on protein function has been reported. The following publications have been ascertained in the context of this evaluation (PMID: 26220970, 21636032, 28074886). Twelve submitters have cited clinical-significance assessments for this variant to ClinVar after 2014, classifying the variant as benign (n=3), likely benign (n=8), or uncertain significance (n=1). Based on the evidence outlined above, the variant was classified as likely benign.

CHEO Genetics Diagnostic Laboratory, Children's Hospital of Eastern Ontario
Classification: Likely benign for Cardiomyopathy. Last evaluated: 2021-08-20. Review status: criteria provided, single submitter. Criteria: ACMG Guidelines, 2015. Collection method: clinical testing. Allele origin: germline.

Color Diagnostics, LLC DBA Color Health
Classification: Benign for Cardiomyopathy. Last evaluated: 2018-08-14. Review status: criteria provided, single submitter. Criteria: ACMG Guidelines, 2015. Collection method: clinical testing. Allele origin: germline.

Illumina Laboratory Services, Illumina
Classification: Benign for Arrhythmogenic right ventricular dysplasia 10. Last evaluated: 2018-05-11. Review status: criteria provided, single submitter. Criteria: ICSL Variant Classification Criteria 13 December 2019. Collection method: clinical testing. Allele origin: germline.
Comment: This variant was observed as part of a predisposition screen in an ostensibly healthy population. A literature search was performed for the gene, cDNA change, and amino acid change (where applicable). Publications were found based on this search. The evidence from the literature, in combination with allele frequency data from public databases where available, was sufficient to rule this variant out of causing disease. Therefore, this variant is classified as benign.

Center for Advanced Laboratory Medicine, UC San Diego Health, University of California San Diego
Classification: Likely benign for Dilated cardiomyopathy. Last evaluated: 2018-04-06. Review status: criteria provided, single submitter. Criteria: ACMG Guidelines, 2015. Collection method: clinical testing. Allele origin: germline. Affected: yes. Observed: 1 variant allele.

Ambry Genetics
Classification: Likely benign for Cardiovascular phenotype. Last evaluated: 2018-03-07. Review status: criteria provided, single submitter. Criteria: Ambry Variant Classification Scheme 2023. Collection method: clinical testing. Allele origin: germline.

GeneDx
Classification: Likely benign. Last evaluated: 2018-01-22. Review status: criteria provided, single submitter. Criteria: GeneDx Variant Classification (06012015). Collection method: clinical testing. Allele origin: germline. Affected: yes.
Comment: This variant is considered likely benign or benign based on one or more of the following criteria: it is a conservative change, it occurs at a poorly conserved position in the protein, it is predicted to be benign by multiple in silico algorithms, and/or has population frequency not consistent with disease.

Laboratory for Molecular Medicine, Mass General Brigham Personalized Medicine
Classification: Uncertain significance. Last evaluated: 2014-08-27. Review status: criteria provided, single submitter. Criteria: LMM Criteria. Collection method: clinical testing. Allele origin: germline. Observed: 4 variant alleles.
Comment: Variant classified as Uncertain Significance - Favor Benign. The Leu594Pro varia nt in DSG2 has been identified in 4/8470 European American chromosomes by the NH LBI Exome Sequencing Project (dbSNP rs19968190 1). Leucine (Leu) at position 594 is not conserve d in mammals or evolutionarily distant species, raising the possibility that a c hange at this position may be tolerated. Additional computational prediction too ls suggest that this variant may not impact the protein, though this information is not predictive enough to rule out pathogenicity. In summary, while the clini cal significance of the Leu594Pro variant is uncertain, these data suggest that it is more likely to be benign.

Biesecker Lab/Clinical Genomics Section, National Institutes of Health
Classification: Likely benign. Last evaluated: 2013-06-24. Review status: criteria provided, single submitter. Criteria: Ng et al. (Circ Cardiovasc Genet. 2013). Collection method: research. Allele origin: unknown. Observed: 3 variant alleles. Study: ClinSeq.
Comment: The study set was not selected for affection status in relation to any cancer. Pathogenicity categories were based on literature curation. See Pubmed ID:23861362 for details.

Medical sequencing

PreventionGenetics, part of Exact Sciences
Classification: Likely benign for DSG2-related condition. Last evaluated: 2024-02-13. Review status: no assertion criteria provided. Collection method: clinical testing. Allele origin: germline. Not counted in ClinVar's aggregate classification.
Comment: This variant is classified as likely benign based on ACMG/AMP sequence variant interpretation guidelines (Richards et al. 2015 PMID: 25741868, with internal and published modifications).

Clinical Genetics DNA and cytogenetics Diagnostics Lab, Erasmus MC, Erasmus Medical Center
Classification: Likely benign. Review status: no assertion criteria provided. Collection method: clinical testing. Allele origin: germline. Affected: yes. Study: VKGL Data-share Consensus. Not counted in ClinVar's aggregate classification.

Clinical Genetics, Academic Medical Center
Classification: Benign. Review status: no assertion criteria provided. Collection method: clinical testing. Allele origin: germline. Affected: yes. Study: VKGL Data-share Consensus. Not counted in ClinVar's aggregate classification.

Literature cited by the submitters: PubMed 21636032 (cited by 4 submitters); PubMed 26220970 (cited by Women's Health and Genetics/Laboratory Corporation of America, LabCorp); PubMed 28074886 (cited by Women's Health and Genetics/Laboratory Corporation of America, LabCorp); PubMed 26230511 (cited by Illumina Laboratory Services, Illumina); PubMed 23861362 (cited by 3 submitters).

NM_001943.5(DSG2):c.1781T>C (p.Leu594Pro)

Gene: DSG2 (desmoglein 2; plus strand). Cytogenetic location: 18q12.1.
Variant type: single nucleotide variant.
Coding change: c.1781T>C on transcript NM_001943.5 (MANE Select); coding-DNA position 1781, T replaced by C.
Protein change: p.Leu594Pro; replaces leucine 594 with proline.
Molecular consequence: missense variant.
Genome position (GRCh38, 1-based): chr18:31,538,880, T>C. VCF-style: chr18-31538880-T-C. GRCh37 (hg19) VCF-style: chr18-29118843-T-C.
Other names: short protein forms L594P.
Identifiers: ClinVar variation 44287 (VCV000044287.64), dbSNP rs199681901, ClinGen allele CA021553.